The following is an entry in ClinVar:

NM_001903.5(CTNNA1):c.1024C>T (p.Gln342Ter)

Gene: CTNNA1 (catenin alpha 1; plus strand). Cytogenetic location: 5q31.2.
Variant type: single nucleotide variant.
Coding change: c.1024C>T on transcript NM_001903.5 (MANE Select); coding-DNA position 1024, C replaced by T.
Protein change: p.Gln342Ter; replaces glutamine 342 with a stop codon.
Molecular consequence: nonsense.
Genome position (GRCh38, 1-based): chr5:138,827,680, C>T. VCF-style: chr5-138827680-C-T. GRCh37 (hg19) VCF-style: chr5-138163369-C-T.
Other names: c.1024C>T (NM_001903.2); c.1024C>T, p.Gln342Ter (NM_001290307.3, NM_001323982.2, NM_001323983.1 and 3 more transcripts); c.715C>T, p.Gln239Ter (NM_001290309.3); c.655C>T, p.Gln219Ter (NM_001290310.3); short protein forms Q239*, Q342*, Q219*.
Identifiers: ClinVar variation 3647913 (VCV003647913.4).
Genomic context (GRCh38, chr5:138,827,680, plus strand): 5'-TCGTCCTGCACGCGTGATGACCGTCGTGAGCGAATTGTGGCAGAGTGTAATGCTGTCCGC[C>T]AGGCCCTGCAGGACCTGCTTTCGGAGTACATGGGCAATGTGAGTTTGACAGCTTTTCTTT-3'

ClinVar aggregate classification (germline): Pathogenic. Review status: criteria provided, multiple submitters, no conflicts (2 of 4 stars). 3 submissions from 3 submitters: Pathogenic (3). Last evaluated 2025-08-26.

Conditions:
Hereditary diffuse gastric adenocarcinoma (HDGC). Also called: DIFFUSE GASTRIC AND LOBULAR BREAST CANCER SYNDROME. Identifiers: Orphanet 26106, MedGen C1708349, MONDO:0007648, OMIM 137215.
Hereditary cancer-predisposing syndrome. Also called: Hereditary neoplastic syndrome; Hereditary Cancer Syndrome; Neoplastic Syndromes, Hereditary; Tumor predisposition. Identifiers: Orphanet 140162, MedGen C0027672, MeSH D009386, MONDO:0015356.

Submissions (3):

Myriad Genetics, Inc.
Classification: Pathogenic for Hereditary diffuse gastric adenocarcinoma. Last evaluated: 2025-08-26. Review status: criteria provided, single submitter. Criteria: Myriad Autosomal Dominant, Autosomal Recessive and X-Linked Classification Criteria (2023). Collection method: clinical testing. Allele origin: unknown.
Comment: This variant is considered pathogenic. This variant creates a termination codon and is predicted to result in premature protein truncation.

Ambry Genetics
Classification: Pathogenic for Hereditary cancer-predisposing syndrome. Last evaluated: 2025-05-01. Review status: criteria provided, single submitter. Criteria: Ambry Variant Classification Scheme 2023. Collection method: clinical testing. Allele origin: germline.
Comment: The p.Q342* variant (also known as c.1024C>T), located in coding exon 6 of the CTNNA1 gene, results from a C to T substitution at nucleotide position 1024. This changes the amino acid from a glutamine to a stop codon within coding exon 6. This variant is considered to be rare based on population cohorts in the Genome Aggregation Database (gnomAD). This alteration is expected to result in loss of function by premature protein truncation or nonsense-mediated mRNA decay. As such, this alteration is interpreted as a disease-causing mutation.

Labcorp Genetics (formerly Invitae), Labcorp
Classification: Pathogenic. Last evaluated: 2024-03-27. Review status: criteria provided, single submitter. Criteria: Invitae Variant Classification Sherloc (09022015). Collection method: clinical testing. Allele origin: germline.
Comment: This sequence change creates a premature translational stop signal (p.Gln342*) in the CTNNA1 gene. It is expected to result in an absent or disrupted protein product. Loss-of-function variants in CTNNA1 are known to be pathogenic (PMID: 32051609, 34425242). This variant is not present in population databases (gnomAD no frequency). This variant has not been reported in the literature in individuals affected with CTNNA1-related conditions. For these reasons, this variant has been classified as Pathogenic.

Literature cited by the submitters: PubMed 32051609 (cited by Labcorp Genetics (formerly Invitae), Labcorp); PubMed 34425242 (cited by Labcorp Genetics (formerly Invitae), Labcorp).